The following is an entry in ClinVar:

NM_006329.4(FBLN5):c.967C>A (p.Pro323Thr)

Gene: FBLN5 (fibulin 5; minus strand). Cytogenetic location: 14q32.12.
Variant type: single nucleotide variant.
Coding change: c.967C>A on transcript NM_006329.4 (MANE Select); coding-DNA position 967, C replaced by A.
Protein change: p.Pro323Thr; replaces proline 323 with threonine.
Molecular consequence: missense variant.
Genome position (GRCh38, 1-based): chr14:91,881,314, G>T on the plus strand (C>A on the coding strand, the complement: FBLN5 is on the minus strand). VCF-style: chr14-91881314-G-T. GRCh37 (hg19) VCF-style: chr14-92347658-G-T.
Other names: c.1090C>A, p.Pro364Thr (NM_001384158.1); c.1018C>A, p.Pro340Thr (NM_001384159.1); c.967C>A, p.Pro323Thr (NM_001384160.1); c.799C>A, p.Pro267Thr (NM_001384161.1, NM_001384162.1); short protein forms P323T, P340T, P267T, P364T.
Identifiers: ClinVar variation 3681187 (VCV003681187.2).
Genomic context (GRCh38, chr14:91,881,314, plus strand): 5'-ATCAGGTTTCTATTCCCCAGGGGGACGCCGTGACTTACTTATCACTGATCCTCAGATAAG[G>T]CTCCTCACAGCGGATGGGGTCAATGCATTTGAAGCCCCCTTGTAAATTGTAGCACGTCTG-3'
Protein context (NP_006320.2, residues 313-333): KCIDPIRCEE[Pro323Thr]YLRISDNRCM

ClinVar aggregate classification (germline): Uncertain significance (1 of 4 stars; one submission).

Submission:

Labcorp Genetics (formerly Invitae), Labcorp
Classification: Uncertain significance. Last evaluated: 2026-01-08. Review status: criteria provided, single submitter. Criteria: Invitae Variant Classification Sherloc (09022015). Collection method: clinical testing. Allele origin: germline.
Comment: This sequence change replaces proline, which is neutral and non-polar, with threonine, which is neutral and polar, at codon 323 of the FBLN5 protein (p.Pro323Thr). This variant is not present in population databases (gnomAD no frequency). This variant has not been reported in the literature in individuals affected with FBLN5-related conditions. ClinVar contains an entry for this variant (Variation ID: 3681187). Invitae Evidence Modeling of protein sequence and biophysical properties (such as structural, functional, and spatial information, amino acid conservation, physicochemical variation, residue mobility, and thermodynamic stability) indicates that this missense variant is not expected to disrupt FBLN5 protein function with a negative predictive value of 80%. In summary, the available evidence is currently insufficient to determine the role of this variant in disease. Therefore, it has been classified as a Variant of Uncertain Significance.